The following is an entry in ClinVar:

NM_003279.3(TNNC2):c.337C>T (p.Pro113Ser)

Gene: TNNC2 (troponin C2, fast skeletal type; minus strand). Cytogenetic location: 20q13.12.
Variant type: single nucleotide variant.
Coding change: c.337C>T on transcript NM_003279.3 (MANE Select); coding-DNA position 337, C replaced by T.
Protein change: p.Pro113Ser; replaces proline 113 with serine.
Molecular consequence: missense variant.
Genome position (GRCh38, 1-based): chr20:45,824,105, G>A on the plus strand (C>T on the coding strand, the complement: TNNC2 is on the minus strand). VCF-style: chr20-45824105-G-A. GRCh37 (hg19) VCF-style: chr20-44452744-G-A.
Other names: short protein forms P113S.
Identifiers: ClinVar variation 4991601 (VCV004991601.1).

ClinVar aggregate classification (germline): Uncertain significance (1 of 4 stars; one submission).

Conditions:
TNNC2-related condition.

Submission:

PreventionGenetics, part of Exact Sciences
Classification: Uncertain significance for TNNC2-related condition. Last evaluated: 2026-06-01. Review status: criteria provided, single submitter. Criteria: ACMG Guidelines, 2015. Collection method: clinical testing. Allele origin: germline.
Comment: The TNNC2 c.337C>T variant is predicted to result in the amino acid substitution p.Pro113Ser. To our knowledge, this variant has not been reported in the literature or in a large population database (gnomAD), indicating this variant is rare. At this time, the clinical significance of this variant is uncertain due to the absence of conclusive functional and genetic evidence.